The following is an entry in ClinVar:

NM_001385641.1(SAMD11):c.2166A>C (p.Gly722=)

Gene: SAMD11 (sterile alpha motif domain containing 11; plus strand). Cytogenetic location: 1p36.33.
Variant type: single nucleotide variant.
Coding change: c.2166A>C on transcript NM_001385641.1 (MANE Select); coding-DNA position 2166, A replaced by C.
Protein change: p.Gly722=; no amino-acid change (glycine 722 retained).
Molecular consequence: synonymous variant.
Genome position (GRCh38, 1-based): chr1:943,365, A>C. VCF-style: chr1-943365-A-C. GRCh37 (hg19) VCF-style: chr1-878745-A-C.
Other names: c.2169A>C, p.Gly723= (NM_001385640.1); c.1677A>C, p.Gly559= (NM_152486.4); c.1677A>C (NM_152486.2).
Identifiers: ClinVar variation 1167526 (VCV001167526.13), dbSNP rs72902602, ClinGen allele CA503177.

ClinVar aggregate classification (germline): Benign/Likely benign. Review status: criteria provided, multiple submitters, no conflicts (2 of 4 stars). 4 submissions from 4 submitters: Benign (2); Likely benign (1). 1 of the submissions does not count toward it. Last evaluated 2026-01-17.

Conditions:
SAMD11-related disorder. Also called: SAMD11-related condition.

Allele frequency attached by ClinVar (database versions not stated): gnomAD exomes 0.00029; ExAC 0.00036; gnomAD 0.00103 and 0.00105; 1000 Genomes Project 0.00160; ESP Exome Variant Server 0.00177; 1000 Genomes Project 30x 0.00187.
gnomAD v4.1: 292 of 1,568,750 alleles (0.019%); highest among the groups gnomAD compares: African/African-American, 0.37%; no homozygotes.

Submissions (4):

Labcorp Genetics (formerly Invitae), Labcorp
Classification: Benign. Last evaluated: 2026-01-17. Review status: criteria provided, single submitter. Criteria: Invitae Variant Classification Sherloc (09022015). Collection method: clinical testing. Allele origin: germline.

Blueprint Genetics
Classification: Likely benign. Last evaluated: 2024-09-09. Review status: criteria provided, single submitter. Criteria: ACMG Guidelines, 2015. Collection method: clinical testing. Allele origin: germline.

Breakthrough Genomics
Classification: Benign. Review status: criteria provided, single submitter. Criteria: ACMG Guidelines, 2015. Collection method: not provided. Allele origin: germline. Inheritance: Unknown mechanism. Affected: yes.

PreventionGenetics, part of Exact Sciences
Classification: Likely benign for SAMD11-related condition. Last evaluated: 2019-08-13. Review status: no assertion criteria provided. Collection method: clinical testing. Allele origin: germline. Not counted in ClinVar's aggregate classification.
Comment: This variant is classified as likely benign based on ACMG/AMP sequence variant interpretation guidelines (Richards et al. 2015 PMID: 25741868, with internal and published modifications).